The following is an entry in ClinVar:

ClinVar aggregate classification (germline): Uncertain significance (1 of 4 stars; one submission).

gnomAD v4.1: 3 of 1,614,038 alleles (0.00019%); highest among the groups gnomAD compares: Admixed American, 0.005%; no homozygotes.

Submission:

Labcorp Genetics (formerly Invitae), Labcorp
Classification: Uncertain significance. Last evaluated: 2025-09-15. Review status: criteria provided, single submitter. Criteria: Invitae Variant Classification Sherloc (09022015). Collection method: clinical testing. Allele origin: germline.
Comment: This sequence change replaces asparagine, which is neutral and polar, with serine, which is neutral and polar, at codon 237 of the CLIC5 protein (p.Asn237Ser). This variant is not present in population databases (gnomAD no frequency). This variant has not been reported in the literature in individuals affected with CLIC5-related conditions. An algorithm developed to predict the effect of missense changes on protein structure and function (PolyPhen-2) suggests that this variant is likely to be disruptive. In summary, the available evidence is currently insufficient to determine the role of this variant in disease. Therefore, it has been classified as a Variant of Uncertain Significance.

NM_016929.5(CLIC5):c.233A>G (p.Asn78Ser)

Gene: CLIC5 (chloride intracellular channel 5; minus strand). Cytogenetic location: 6p21.1.
Variant type: single nucleotide variant.
Coding change: c.233A>G on transcript NM_016929.5 (MANE Select); coding-DNA position 233, A replaced by G.
Protein change: p.Asn78Ser; replaces asparagine 78 with serine.
Molecular consequence: missense variant.
Genome position (GRCh38, 1-based): chr6:45,949,322, T>C on the plus strand (A>G on the coding strand, the complement: CLIC5 is on the minus strand). VCF-style: chr6-45949322-T-C. GRCh37 (hg19) VCF-style: chr6-45917059-T-C.
Other names: c.710A>G, p.Asn237Ser (NM_001114086.2, NM_001370650.1); c.233A>G, p.Asn78Ser (NM_001256023.2); c.116A>G, p.Asn39Ser (NM_001370649.1); short protein forms N237S, N39S, N78S.
Identifiers: ClinVar variation 4767753 (VCV004767753.1).
Genomic context (GRCh38, chr6:45,949,322, plus strand): 5'-GGGGTCAAGGTCTCCTCCAGGAACTCCTCGATCTTATTGACGTCTGTCTTCACGTCCCCG[T>C]TGAAGGTCAGGAAGGGCGGGTGCGTGCCGGGGGCTAGGTTGTGCAGGTCAGCTGGCTTTC-3'
Protein context (NP_058625.2, residues 68-88): PGTHPPFLTF[Asn78Ser]GDVKTDVNKI